The following is an entry in ClinVar:

ClinVar aggregate classification (germline): Uncertain significance (1 of 4 stars; one submission).

Conditions:
Hereditary cancer-predisposing syndrome. Also called: Hereditary neoplastic syndrome; Neoplastic Syndromes, Hereditary; Tumor predisposition; Hereditary Cancer Syndrome. Identifiers: Orphanet 140162, MedGen C0027672, MeSH D009386, MONDO:0015356.

Submission:

Ambry Genetics
Classification: Uncertain significance for Hereditary cancer-predisposing syndrome. Last evaluated: 2021-12-10. Review status: criteria provided, single submitter. Criteria: Ambry Variant Classification Scheme 2023. Collection method: clinical testing. Allele origin: germline.
Comment: The p.H2111L variant (also known as c.6332A>T), located in coding exon 42 of the ATM gene, results from an A to T substitution at nucleotide position 6332. The histidine at codon 2111 is replaced by leucine, an amino acid with similar properties. This amino acid position is conserved. In addition, this alteration is predicted to be tolerated by in silico analysis. Since supporting evidence is limited at this time, the clinical significance of this alteration remains unclear.

NM_000051.4(ATM):c.6332A>T (p.His2111Leu)

Genes: ATM (ATM serine/threonine kinase; plus strand), C11orf65 (chromosome 11 open reading frame 65; minus strand). Cytogenetic location: 11q22.3.
Variant type: single nucleotide variant.
Coding change: c.6332A>T on transcript NM_000051.4 (MANE Select); coding-DNA position 6332, A replaced by T.
Protein change: p.His2111Leu; replaces histidine 2111 with leucine.
Molecular consequence: missense variant. On other transcripts: intron variant (2).
Genome position (GRCh38, 1-based): chr11:108,317,506, A>T. VCF-style: chr11-108317506-A-T. GRCh37 (hg19) VCF-style: chr11-108188233-A-T.
Other names: c.6332A>T, p.His2111Leu (NM_001351834.2); c.641-8435T>A (NM_001330368.2); c.*39-8435T>A (NM_001351110.2); short protein forms H2111L.
Identifiers: ClinVar variation 1752912 (VCV001752912.2), dbSNP rs876658300, ClinGen allele CA382552277.